The following is an entry in ClinVar:

NM_000179.3(MSH6):c.663A>T (p.Glu221Asp)

Gene: MSH6 (mutS homolog 6; plus strand). Cytogenetic location: 2p16.3.
Variant type: single nucleotide variant.
Coding change: c.663A>T on transcript NM_000179.3 (MANE Select); coding-DNA position 663, A replaced by T.
Protein change: p.Glu221Asp; replaces glutamic acid 221 with aspartic acid.
Molecular consequence: missense variant. On other transcripts: 5 prime UTR variant (2).
Genome position (GRCh38, 1-based): chr2:47,798,646, A>T. VCF-style: chr2-47798646-A-T. GRCh37 (hg19) VCF-style: chr2-48025785-A-T.
Other names: c.273A>T, p.Glu91Asp (NM_001281492.2); c.-244A>T (NM_001281494.2, NM_001281493.2); short protein forms E91D, E221D.
Identifiers: ClinVar variation 921162 (VCV000921162.11), dbSNP rs41557217, ClinGen allele CA346739374.

ClinVar aggregate classification (germline): Benign/Likely benign. Review status: criteria provided, multiple submitters, no conflicts (2 of 4 stars). 4 submissions from 4 submitters: Benign (2); Likely benign (2). Last evaluated 2024-12-19.

Conditions:
Hereditary nonpolyposis colorectal neoplasms. Identifiers: MedGen C0009405, MeSH D003123.
Hereditary cancer-predisposing syndrome. Also called: Neoplastic Syndromes, Hereditary; Tumor predisposition; Hereditary Cancer Syndrome; Hereditary neoplastic syndrome. Identifiers: Orphanet 140162, MedGen C0027672, MeSH D009386, MONDO:0015356.
Lynch syndrome 5 (LYNCH5). Also called: Colorectal cancer, hereditary nonpolyposis, type 5; Hereditary non-polyposis colorectal cancer, type 5. Identifiers: Orphanet 144, MedGen C1833477, MONDO:0013710, OMIM 614350. Disease mechanism: loss of function.

Submissions (4):

Myriad Genetics, Inc.
Classification: Likely benign for Lynch syndrome 5. Last evaluated: 2024-12-19. Review status: criteria provided, single submitter. Criteria: Myriad Autosomal Dominant, Autosomal Recessive and X-Linked Classification Criteria (2023). Collection method: clinical testing. Allele origin: unknown.
Comment: This variant is considered likely benign. This variant is strongly associated with less severe personal and family histories of cancer, typical for individuals without pathogenic variants in this gene [PMID: 27363726].

Labcorp Genetics (formerly Invitae), Labcorp
Classification: Benign for Hereditary nonpolyposis colorectal neoplasms. Last evaluated: 2024-05-12. Review status: criteria provided, single submitter. Criteria: Invitae Variant Classification Sherloc (09022015). Collection method: clinical testing. Allele origin: germline.

Ambry Genetics
Classification: Benign for Hereditary cancer-predisposing syndrome. Last evaluated: 2024-02-12. Review status: criteria provided, single submitter. Criteria: Ambry Variant Classification Scheme 2023. Collection method: clinical testing. Allele origin: germline.

Color Diagnostics, LLC DBA Color Health
Classification: Likely benign for Hereditary cancer-predisposing syndrome. Last evaluated: 2022-01-03. Review status: criteria provided, single submitter. Criteria: ACMG Guidelines, 2015. Collection method: clinical testing. Allele origin: germline.

Literature cited by the submitters: PubMed 27363726 (cited by Myriad Genetics, Inc.); PubMed 28531214 (cited by Ambry Genetics); PubMed 37894428 (cited by Ambry Genetics).